The following is an entry in ClinVar:

NM_001011658.4(TRAPPC2):c.93+4C>T

Genes: OFD1 (OFD1 centriole and centriolar satellite protein; plus strand), TRAPPC2 (trafficking protein particle complex subunit 2; minus strand). Cytogenetic location: Xp22.2.
Variant type: single nucleotide variant.
Coding change: c.93+4C>T on transcript NM_001011658.4 (MANE Select); 4 bases into the intron after coding-DNA position 93, C replaced by T.
Molecular consequence: intron variant.
Genome position (GRCh38, 1-based): chrX:13,719,867, G>A on the plus strand (C>T on the coding strand, the complement: TRAPPC2 is on the minus strand). VCF-style: chrX-13719867-G-A. GRCh37 (hg19) VCF-style: chrX-13737986-G-A.
Other names: c.93+4C>T (NM_014563.6); c.195+4C>T (NM_001128835.3).
Identifiers: ClinVar variation 2876007 (VCV002876007.3), dbSNP rs1336541689, ClinGen allele CA640493185.
Genomic context (GRCh38, chrX:13,719,867, plus strand): 5'-GATCTTCCAGTTCTAAAATCATATTATACCATATCATTACAATAGCATAAAAATTCTTAC[G>A]TACTTTGGATTCTGCCTTCCCAGCTGGCAAAAACTCCATTTCAAAAACTGGATTATCATG-3'

ClinVar aggregate classification (germline): Uncertain significance (1 of 4 stars; one submission).

Allele frequency attached by ClinVar (database versions not stated): gnomAD exomes below 0.00001; gnomAD 0.00002; TOPMed below 0.00001.
gnomAD v4.1: 5 of 1,166,326 alleles (0.00043%); highest among the groups gnomAD compares: African/African-American, 0.0036%; no homozygotes.

Submission:

Labcorp Genetics (formerly Invitae), Labcorp
Classification: Uncertain significance. Last evaluated: 2025-09-02. Review status: criteria provided, single submitter. Criteria: Invitae Variant Classification Sherloc (09022015). Collection method: clinical testing. Allele origin: germline.
Comment: This sequence change falls in intron 3 of the TRAPPC2 gene. It does not directly change the encoded amino acid sequence of the TRAPPC2 protein. It affects a nucleotide within the consensus splice site. The frequency data for this variant in the population databases is considered unreliable, as metrics indicate poor data quality at this position in the gnomAD database. This variant has not been reported in the literature in individuals affected with TRAPPC2-related conditions. ClinVar contains an entry for this variant (Variation ID: 2876007). Variants that disrupt the consensus splice site are a relatively common cause of aberrant splicing (PMID: 17576681, 9536098). Algorithms developed to predict the effect of sequence changes on RNA splicing suggest that this variant is not likely to affect RNA splicing. In summary, the available evidence is currently insufficient to determine the role of this variant in disease. Therefore, it has been classified as a Variant of Uncertain Significance.

Literature cited by the submitters: PubMed 17576681; PubMed 9536098.